The following is an entry in ClinVar:

NM_001743.6(CALM2):c.421+96_421+97del

Gene: CALM2 (calmodulin 2; minus strand). Cytogenetic location: 2p21.
Variant type: Deletion.
Coding change: c.421+96_421+97del on transcript NM_001743.6 (MANE Select); bases 96 to 97 of the intron after coding-DNA position 421, 2 bases deleted (TG; older notation c.421+96_421+97delTG).
Molecular consequence: intron variant.
Genome position (GRCh38, 1-based): chr2:47,161,626-47,161,627, CA deleted on the plus strand (TG on the coding strand, the reverse complement: CALM2 is on the minus strand). VCF-style (leftmost placement, unchanged base first): chr2-47161625-TCA-T. GRCh37 (hg19) VCF-style: chr2-47388764-TCA-T.
Other names: c.565+96_565+97del (NM_001305624.1); c.313+96_313+97del (NM_001305626.1, NM_001305625.2).
Identifiers: ClinVar variation 674617 (VCV000674617.1), dbSNP rs113581500, ClinGen allele CA46690622.

ClinVar aggregate classification (germline): Benign (1 of 4 stars; one submission).

Allele frequency attached by ClinVar (database versions not stated): gnomAD exomes 0.10811; gnomAD 0.21731 and 0.22221; 1000 Genomes Project 30x 0.25718.

Submission:

GeneDx
Classification: Benign. Last evaluated: 2018-06-19. Review status: criteria provided, single submitter. Criteria: GeneDx Variant Classification (06012015). Collection method: clinical testing. Allele origin: germline. Affected: yes.
Comment: This variant is considered likely benign or benign based on one or more of the following criteria: it is a conservative change, it occurs at a poorly conserved position in the protein, it is predicted to be benign by multiple in silico algorithms, and/or has population frequency not consistent with disease.